The following is an entry in ClinVar:

NM_001723.7(DST):c.4993C>T (p.Gln1665Ter)

Gene: DST (dystonin; minus strand). Cytogenetic location: 6p12.1.
Variant type: single nucleotide variant.
Coding change: c.4993C>T on transcript NM_001723.7 (MANE Plus Clinical); coding-DNA position 4993, C replaced by T.
Protein change: p.Gln1665Ter; replaces glutamine 1665 with a stop codon.
Molecular consequence: nonsense. On other transcripts: intron variant (10).
Genome position (GRCh38, 1-based): chr6:56,619,041, G>A on the plus strand (C>T on the coding strand, the complement: DST is on the minus strand). VCF-style: chr6-56619041-G-A. GRCh37 (hg19) VCF-style: chr6-56483839-G-A.
Other names: c.4831-4557C>T (NM_001144769.5); c.4930-4557C>T (NM_001374722.1, NM_001374736.1); c.4957-4557C>T (NM_001374734.1); c.4417-4557C>T (NM_001144770.2); c.4297-4557C>T (NM_001374730.1, NM_001386100.1, NM_183380.4 and 1 more transcripts); c.3319-4557C>T (NM_015548.5); short protein forms Q1665*.
Identifiers: ClinVar variation 391712 (VCV000391712.4), dbSNP rs774625619, ClinGen allele CA3870440.

ClinVar aggregate classification (germline): Pathogenic. Review status: criteria provided, multiple submitters, no conflicts (2 of 4 stars). 2 submissions from 2 submitters: Pathogenic (2). Last evaluated 2024-06-19.

Conditions:
Epidermolysis bullosa simplex 3, localized or generalized intermediate, with BP230 deficiency (EBS3). Also called: Epidermolysis bullosa simplex, autosomal recessive 2; Epidermolysis bullosa simplex due to BP230 deficiency. Identifiers: Orphanet 412181, MedGen C3809470, MONDO:0014180, OMIM 615425.
Hereditary sensory and autonomic neuropathy type 6. Also called: Neuropathy, hereditary sensory and autonomic, type VI; HSAN VI. Identifiers: Orphanet 314381, MedGen C3539003, MONDO:0013839, OMIM 614653.

Allele frequency attached by ClinVar (database versions not stated): TOPMed below 0.00001; ExAC 0.00001; gnomAD 0.00001; gnomAD exomes 0.00001 and 0.00002.
gnomAD v4.1: 11 of 1,613,310 alleles (0.00068%); highest among the groups gnomAD compares: Non-Finnish European, 0.00093%; no homozygotes.

Submissions (2):

Labcorp Genetics (formerly Invitae), Labcorp
Classification: Pathogenic for Epidermolysis bullosa simplex 3, localized or generalized intermediate, with BP230 deficiency; Hereditary sensory and autonomic neuropathy type 6. Last evaluated: 2024-06-19. Review status: criteria provided, single submitter. Criteria: Invitae Variant Classification Sherloc (09022015). Collection method: clinical testing. Allele origin: germline.
Comment: This sequence change creates a premature translational stop signal (p.Gln1665*) in the DST gene. It is expected to result in an absent or disrupted protein product. Loss-of-function variants in DST are known to be pathogenic (PMID: 22522446, 25059916, 30371979). This variant is present in population databases (rs774625619, gnomAD 0.003%). This variant has not been reported in the literature in individuals affected with DST-related conditions. ClinVar contains an entry for this variant (Variation ID: 391712). For these reasons, this variant has been classified as Pathogenic.

GeneDx
Classification: Pathogenic. Last evaluated: 2016-12-13. Review status: criteria provided, single submitter. Criteria: GeneDx Variant Classification (06012015). Collection method: clinical testing. Allele origin: germline. Affected: yes.
Comment: The Q1665X variant in the DST gene has not been reported previously as a pathogenic variant nor as a benign variant, to our knowledge. This variant is predicted to cause loss of normal protein function either through protein truncation or nonsense-mediated mRNA decay. TheQ1665X variant was not observed in approximately 6500 individuals of European and African American ancestry in the NHLBI Exome Sequencing Project, indicating it is not a common benign variant in these populations. We interpret Q1665X as a pathogenic variant.

Literature cited by the submitters: PubMed 22522446 (cited by Labcorp Genetics (formerly Invitae), Labcorp); PubMed 25059916 (cited by Labcorp Genetics (formerly Invitae), Labcorp); PubMed 30371979 (cited by Labcorp Genetics (formerly Invitae), Labcorp).